The following is an entry in ClinVar:

ClinVar aggregate classification (germline): Uncertain significance. Review status: criteria provided, multiple submitters, no conflicts (2 of 4 stars). 2 submissions from 2 submitters: Uncertain significance (2). Last evaluated 2025-04-23.

Conditions:
Hereditary nonpolyposis colorectal neoplasms. Identifiers: MedGen C0009405, MeSH D003123.
Hereditary cancer-predisposing syndrome. Also called: Hereditary Cancer Syndrome; Hereditary neoplastic syndrome; Neoplastic Syndromes, Hereditary; Tumor predisposition. Identifiers: Orphanet 140162, MedGen C0027672, MeSH D009386, MONDO:0015356.

Submissions (2):

Ambry Genetics
Classification: Uncertain significance for Hereditary cancer-predisposing syndrome. Last evaluated: 2025-04-23. Review status: criteria provided, single submitter. Criteria: Ambry Variant Classification Scheme 2023. Collection method: clinical testing. Allele origin: germline.
Comment: The p.S28A variant (also known as c.82T>G), located in coding exon 1 of the MSH6 gene, results from a T to G substitution at nucleotide position 82. The serine at codon 28 is replaced by alanine, an amino acid with similar properties. This amino acid position is well conserved in available vertebrate species. In addition, this alteration is predicted to be tolerated by in silico analysis. Based on the available evidence, the clinical significance of this variant remains unclear.

Labcorp Genetics (formerly Invitae), Labcorp
Classification: Uncertain significance for Hereditary nonpolyposis colorectal neoplasms. Last evaluated: 2024-03-12. Review status: criteria provided, single submitter. Criteria: Invitae Variant Classification Sherloc (09022015). Collection method: clinical testing. Allele origin: germline.
Comment: This sequence change replaces serine, which is neutral and polar, with alanine, which is neutral and non-polar, at codon 28 of the MSH6 protein (p.Ser28Ala). This variant is not present in population databases (gnomAD no frequency). This variant has not been reported in the literature in individuals affected with MSH6-related conditions. ClinVar contains an entry for this variant (Variation ID: 1429804). Advanced modeling of protein sequence and biophysical properties (such as structural, functional, and spatial information, amino acid conservation, physicochemical variation, residue mobility, and thermodynamic stability) performed at Invitae indicates that this missense variant is not expected to disrupt MSH6 protein function with a negative predictive value of 95%. In summary, the available evidence is currently insufficient to determine the role of this variant in disease. Therefore, it has been classified as a Variant of Uncertain Significance.

NM_000179.3(MSH6):c.82T>G (p.Ser28Ala)

Gene: MSH6 (mutS homolog 6; plus strand). Cytogenetic location: 2p16.3.
Variant type: single nucleotide variant.
Coding change: c.82T>G on transcript NM_000179.3 (MANE Select); coding-DNA position 82, T replaced by G.
Protein change: p.Ser28Ala; replaces serine 28 with alanine.
Molecular consequence: missense variant. On other transcripts: 5 prime UTR variant (1).
Genome position (GRCh38, 1-based): chr2:47,783,315, T>G. VCF-style: chr2-47783315-T-G. GRCh37 (hg19) VCF-style: chr2-48010454-T-G.
Other names: c.82T>G, p.Ser28Ala (NM_001281492.2); c.-655T>G (NM_001281493.2); short protein forms S28A.
Identifiers: ClinVar variation 1429804 (VCV001429804.11), dbSNP rs1223620783, ClinGen allele CA346734802.